The following is an entry in ClinVar:

NM_005534.4(IFNGR2):c.48CGC[7] (p.Ala22_Pro23insAlaAla)

Genes: IFNGR2 (interferon gamma receptor 2; plus strand), LOC119266102 (IFNGR2 promoter region; plus strand). Cytogenetic location: 21q22.11.
Variant type: Microsatellite.
Coding change: c.48CGC[7] on transcript NM_005534.4 (MANE Select); seven copies in a row of the 3-base unit CGC starting at c.48; the reference has five copies in a row; two copies, 6 bases duplicated.
Protein change: p.Ala22_Pro23insAlaAla.
Molecular consequence: inframe insertion.
Genome position (GRCh38, 1-based): chr21:33,403,600-33,403,605, CGCCGC duplicated; duplicating any 6 consecutive bases within chr21:33,403,591-33,403,605 gives the same sequence; the position shown is the placement nearest the transcript's 3' end. VCF-style (leftmost placement, unchanged base first): chr21-33403590-T-TCGCCGC. GRCh37 (hg19) VCF-style: chr21-34775896-T-TCGCCGC.
Other names: c.48CGC[7], p.Ala22_Pro23insAlaAla (NM_001329128.2).
Identifiers: ClinVar variation 2195721 (VCV002195721.2), dbSNP rs765468464, ClinGen allele CA637663588.

ClinVar aggregate classification (germline): Uncertain significance (1 of 4 stars; one submission).

Conditions:
Immunodeficiency 28 (IMD28). Also called: IFNGR2 DEFICIENCY. Identifiers: Orphanet 319547, Orphanet 319574, MedGen C4013947, MONDO:0013953, OMIM 614889.

Submission:

Labcorp Genetics (formerly Invitae), Labcorp
Classification: Uncertain significance for Immunodeficiency 28. Last evaluated: 2025-11-03. Review status: criteria provided, single submitter. Criteria: Invitae Variant Classification Sherloc (09022015). Collection method: clinical testing. Allele origin: germline.
Comment: This variant, c.57_62dup, results in the insertion of 2 amino acid(s) of the IFNGR2 protein (p.Ala21_Ala22dup), but otherwise preserves the integrity of the reading frame. This variant is present in population databases (no rsID available, gnomAD 0.007%). This variant has not been reported in the literature in individuals affected with IFNGR2-related conditions. Experimental studies and prediction algorithms are not available or were not evaluated, and the functional significance of this variant is currently unknown. In summary, the available evidence is currently insufficient to determine the role of this variant in disease. Therefore, it has been classified as a Variant of Uncertain Significance.